The following is an entry in ClinVar:

NM_002616.3(PER1):c.528G>A (p.Gln176=)

Gene: PER1 (period circadian regulator 1; minus strand). Cytogenetic location: 17p13.1.
Variant type: single nucleotide variant.
Coding change: c.528G>A on transcript NM_002616.3 (MANE Select); coding-DNA position 528, G replaced by A.
Protein change: p.Gln176=; no amino-acid change (glutamine 176 retained).
Molecular consequence: synonymous variant.
Genome position (GRCh38, 1-based): chr17:8,149,972, C>T on the plus strand (G>A on the coding strand, the complement: PER1 is on the minus strand). VCF-style: chr17-8149972-C-T. GRCh37 (hg19) VCF-style: chr17-8053290-C-T.
Identifiers: ClinVar variation 2647449 (VCV002647449.24), dbSNP rs2507900890, ClinGen allele CA497957107.

ClinVar aggregate classification (germline): Likely benign (1 of 4 stars; one submission).

Allele frequency attached by ClinVar (database versions not stated): gnomAD exomes below 0.00001.

Submission:

CeGaT Center for Human Genetics Tuebingen
Classification: Likely benign. Last evaluated: 2022-07-01. Review status: criteria provided, single submitter. Criteria: CeGaT Center For Human Genetics Tuebingen Variant Classification Criteria Version 2. Collection method: clinical testing. Allele origin: germline. Affected: yes. Observed: 1 variant allele.
Comment: PER1: PM2:Supporting, BP4, BP7